The following is an entry in ClinVar:

NM_000521.4(HEXB):c.1529_1550dup (p.Lys517_Asp518insTer)

Gene: HEXB (hexosaminidase subunit beta; plus strand). Cytogenetic location: 5q13.3.
Variant type: Duplication.
Coding change: c.1529_1550dup on transcript NM_000521.4 (MANE Select); coding-DNA positions 1529 to 1550, 22 bases duplicated (GTGAGAGACTCTGGAGTTCCAA).
Protein change: p.Lys517_Asp518insTer.
Molecular consequence: nonsense, inframe insertion.
Genome position (GRCh38, 1-based): chr5:74,720,663-74,720,684, GTGAGAGACTCTGGAGTTCCAA duplicated. VCF-style (leftmost placement, unchanged base first): chr5-74720662-G-GGTGAGAGACTCTGGAGTTCCAA. GRCh37 (hg19) VCF-style: chr5-74016487-G-GGTGAGAGACTCTGGAGTTCCAA.
Other names: c.1529_1550dup22 (NM_000521.4); c.854_875dup, p.Lys292_Asp293insTer (NM_001292004.2).
Identifiers: ClinVar variation 3339166 (VCV003339166.1).

ClinVar aggregate classification (germline): Pathogenic (1 of 4 stars; one submission).

Conditions:
Sandhoff disease. Also called: GM2-GANGLIOSIDOSIS, TYPE II; HEXOSAMINIDASES A AND B DEFICIENCY; Beta-hexosaminidase-beta-subunit deficiency; GM2 gangliosidosis, type 2; Total hexosaminidase deficiency; Sandhoff-Jatzkewitz-Pilz disease. Identifiers: Orphanet 796, MedGen C0036161, MONDO:0010006, OMIM 268800.

Submission:

Women's Health and Genetics/Laboratory Corporation of America, LabCorp
Classification: Pathogenic for Sandhoff disease. Last evaluated: 2024-07-03. Review status: criteria provided, single submitter. Criteria: LabCorp Variant Classification Summary - May 2015. Collection method: clinical testing. Allele origin: germline.
Comment: Variant summary: HEXB c.1529_1550dup22 (p.Asp518X) results in a premature termination codon, predicted to cause absence of the protein due to nonsense mediated decay, which is a commonly known mechanisms for disease. The variant was absent in 251240 control chromosomes (gnomAD). To our knowledge, no occurrence of c.1529_1550dup22 in individuals affected with Sandhoff Disease and no experimental evidence demonstrating its impact on protein function have been reported. No submitters have cited clinical-significance assessments for this variant to ClinVar. Based on the evidence outlined above, the variant was classified as pathogenic.